The following is an entry in ClinVar:

NM_024753.5(TTC21B):c.896G>A (p.Cys299Tyr)

Gene: TTC21B (tetratricopeptide repeat domain 21B; minus strand). Cytogenetic location: 2q24.3.
Variant type: single nucleotide variant.
Coding change: c.896G>A on transcript NM_024753.5 (MANE Select); coding-DNA position 896, G replaced by A.
Protein change: p.Cys299Tyr; replaces cysteine 299 with tyrosine.
Molecular consequence: missense variant.
Genome position (GRCh38, 1-based): chr2:165,930,363, C>T on the plus strand (G>A on the coding strand, the complement: TTC21B is on the minus strand). VCF-style: chr2-165930363-C-T. GRCh37 (hg19) VCF-style: chr2-166786873-C-T.
Other names: short protein forms C299Y.
Identifiers: ClinVar variation 4790250 (VCV004790250.1).

ClinVar aggregate classification (germline): Uncertain significance (1 of 4 stars; one submission).

Conditions:
Nephronophthisis. Also called: Juvenile Nephronophthisis. Identifiers: Orphanet 655, MedGen C0687120, MONDO:0019005, HP:0000090.
Jeune thoracic dystrophy. Also called: Short-rib thoracic dysplasia; Jeune syndrome; Infantile thoracic dystrophy; Thoracic pelvic phalangeal dystrophy; Jeune's syndrome; Chondroectodermal dysplasia-like syndrome. Identifiers: Orphanet 474, MedGen C0265275, MONDO:0018770.

Submission:

Labcorp Genetics (formerly Invitae), Labcorp
Classification: Uncertain significance for Jeune thoracic dystrophy; Nephronophthisis. Last evaluated: 2025-08-15. Review status: criteria provided, single submitter. Criteria: Invitae Variant Classification Sherloc (09022015). Collection method: clinical testing. Allele origin: germline.
Comment: This sequence change replaces cysteine, which is neutral and slightly polar, with tyrosine, which is neutral and polar, at codon 299 of the TTC21B protein (p.Cys299Tyr). This variant is not present in population databases (gnomAD no frequency). This variant has not been reported in the literature in individuals affected with TTC21B-related conditions. An algorithm developed to predict the effect of missense changes on protein structure and function (PolyPhen-2) suggests that this variant is likely to be disruptive. In summary, the available evidence is currently insufficient to determine the role of this variant in disease. Therefore, it has been classified as a Variant of Uncertain Significance.